The following is an entry in ClinVar:

NM_007294.4(BRCA1):c.2147G>C (p.Ser716Thr)

Gene: BRCA1 (BRCA1 DNA repair associated; minus strand). Cytogenetic location: 17q21.31.
Variant type: single nucleotide variant.
Coding change: c.2147G>C on transcript NM_007294.4 (MANE Select); coding-DNA position 2147, G replaced by C.
Protein change: p.Ser716Thr; replaces serine 716 with threonine.
Molecular consequence: missense variant. On other transcripts: intron variant (137).
Genome position (GRCh38, 1-based): chr17:43,093,384, C>G on the plus strand (G>C on the coding strand, the complement: BRCA1 is on the minus strand). VCF-style: chr17-43093384-C-G. GRCh37 (hg19) VCF-style: chr17-41245401-C-G.
Other names: NP_009225.1:p.Ser716Thr; c.1934G>C, p.Ser645Thr (NM_001407571.1, NM_001407853.1, NM_001407894.1 and 9 more transcripts); c.2147G>C, p.Ser716Thr (NM_001407581.1, NM_001407582.1, NM_001407583.1 and 30 more transcripts); c.2144G>C, p.Ser715Thr (NM_001407587.1, NM_001407590.1, NM_001407591.1 and 22 more transcripts); c.2138G>C, p.Ser713Thr (NM_001407646.1, NM_001407647.1); c.2024G>C, p.Ser675Thr (NM_001407648.1, NM_001407664.1, NM_001407665.1 and 19 more transcripts); c.2021G>C, p.Ser674Thr (NM_001407649.1, NM_001407670.1, NM_001407671.1 and 11 more transcripts); c.2069G>C, p.Ser690Thr (NM_001407653.1, NM_001407654.1, NM_001407655.1 and 4 more transcripts); and 42 more; short protein forms S716T, S669T, S548T, S648T, S668T, S690T, S605T, S627T.
Identifiers: ClinVar variation 496352 (VCV000496352.19), dbSNP rs1555590369, ClinGen allele CA10597710.

ClinVar aggregate classification (germline): Conflicting classifications of pathogenicity. Review status: criteria provided, conflicting classifications (1 of 4 stars). 3 submissions from 3 submitters: Uncertain significance (2); Likely benign (1). Last evaluated 2023-03-23.

Conditions:
Hereditary breast ovarian cancer syndrome. Also called: Breast and ovarian cancer; BRCA1- and BRCA2-Associated Hereditary Breast and Ovarian Cancer; Hereditary breast and ovarian cancer syndrome (HBOC); Hereditary breast and ovarian cancer; Hereditary breast and/or ovarian cancer syndrome; Hereditary breast and ovarian cancer syndrome. Identifiers: Orphanet 145, MedGen C0677776, MeSH D061325, MONDO:0003582. Disease mechanism: loss of function.
Hereditary cancer-predisposing syndrome. Also called: Tumor predisposition; Neoplastic Syndromes, Hereditary; Hereditary neoplastic syndrome; Hereditary Cancer Syndrome. Identifiers: Orphanet 140162, MedGen C0027672, MeSH D009386, MONDO:0015356.

Submissions (3):

University of Washington Department of Laboratory Medicine, University of Washington
Classification: Likely benign for Hereditary cancer-predisposing syndrome. Last evaluated: 2023-03-23. Review status: criteria provided, single submitter. Criteria: Dines et al. (Genet Med. 2020). Collection method: curation. Allele origin: germline.
Comment: Missense variant in a coldspot region where missense variants are very unlikely to be pathogenic (PMID:31911673).

BRCA1 coldspot (exon 11 using historical exon numbering). Reclassification based on statistical prior probability

National Health Laboratory Service, Universitas Academic Hospital and University of the Free State
Classification: Uncertain significance for Hereditary breast ovarian cancer syndrome. Last evaluated: 2021-11-16. Review status: criteria provided, single submitter. Criteria: ACMG Guidelines, 2015. Collection method: clinical testing. Allele origin: germline. Affected: yes. Observed: 1 variant allele.

Women's Health and Genetics/Laboratory Corporation of America, LabCorp
Classification: Uncertain significance. Last evaluated: 2016-08-29. Review status: criteria provided, single submitter. Criteria: LabCorp Variant Classification Summary - May 2015. Collection method: clinical testing. Allele origin: germline.
Comment: Variant summary: The c.2147F>C (p.Ser716thr) in BRCA1 gene is a missense change that involves a non-conserved nucleotide and 4/4 in silico tools predict benign outcome. The variant is absent from the control population dataset of ExAC and has not, to our knowledge, been reported in affected individuals via published reports or by reputable databases/clinical laboratories. Taking together, the variant was classified as VUS.

Literature cited by the submitters: DOI 10.3389/fgene.2022.834265 (cited by National Health Laboratory Service, Universitas Academic Hospital and University of the Free State).